The following is an entry in ClinVar:

NM_006258.4(PRKG1):c.1856G>C (p.Gly619Ala)

Gene: PRKG1 (protein kinase cGMP-dependent 1; plus strand). Cytogenetic location: 10q21.1.
Variant type: single nucleotide variant.
Coding change: c.1856G>C on transcript NM_006258.4 (MANE Select); coding-DNA position 1856, G replaced by C.
Protein change: p.Gly619Ala; replaces glycine 619 with alanine.
Molecular consequence: missense variant.
Genome position (GRCh38, 1-based): chr10:52,288,954, G>C. VCF-style: chr10-52288954-G-C. GRCh37 (hg19) VCF-style: chr10-54048714-G-C.
Other names: c.1811G>C, p.Gly604Ala (NM_001098512.3); c.647G>C, p.Gly216Ala (NM_001374781.1); short protein forms G216A, G604A, G619A.
Identifiers: ClinVar variation 3361295 (VCV003361295.1).
Genomic context (GRCh38, chr10:52,288,954, plus strand): 5'-AAAATTAGATTTAATAAAACCATTATTTTATTTTTAGGGACAATCCATCAGAAAGATTAG[G>C]GAATTTGAAAAATGGAGTAAAAGACATTCAAAAGCACAAGTAAGTGTTCTTTCTGCAGAG-3'
Protein context (NP_006249.1, residues 609-629): LCRDNPSERL[Gly619Ala]NLKNGVKDIQ

ClinVar aggregate classification (germline): Uncertain significance (1 of 4 stars; one submission).

Submission:

GeneDx
Classification: Uncertain significance. Last evaluated: 2023-07-18. Review status: criteria provided, single submitter. Criteria: GeneDx Variant Classification Process June 2021. Collection method: clinical testing. Allele origin: germline. Affected: yes.
Comment: Not observed at significant frequency in large population cohorts (gnomAD); In silico analysis supports that this missense variant has a deleterious effect on protein structure/function; Has not been previously published as pathogenic or benign to our knowledge